The following is an entry in ClinVar:

NM_001065.4(TNFRSF1A):c.1036C>G (p.His346Asp)

Gene: TNFRSF1A (TNF receptor superfamily member 1A; minus strand). Cytogenetic location: 12p13.31.
Variant type: single nucleotide variant.
Coding change: c.1036C>G on transcript NM_001065.4 (MANE Select); coding-DNA position 1036, C replaced by G.
Protein change: p.His346Asp; replaces histidine 346 with aspartic acid.
Molecular consequence: missense variant. On other transcripts: non-coding transcript variant (1).
Genome position (GRCh38, 1-based): chr12:6,329,799, G>C on the plus strand (C>G on the coding strand, the complement: TNFRSF1A is on the minus strand). VCF-style: chr12-6329799-G-C. GRCh37 (hg19) VCF-style: chr12-6438965-G-C.
Other names: c.712C>G, p.His238Asp (NM_001346091.2); c.577C>G, p.His193Asp (NM_001346092.2); short protein forms H193D, H238D, H346D.
Identifiers: ClinVar variation 5041691 (VCV005041691.1).

ClinVar aggregate classification (germline): Uncertain significance (1 of 4 stars; one submission).

Submission:

CeGaT Center for Human Genetics Tuebingen
Classification: Uncertain significance. Last evaluated: 2026-09-01. Review status: criteria provided, single submitter. Criteria: CeGaT Center For Human Genetics Tuebingen Variant Classification Criteria Version 2. Collection method: clinical testing. Allele origin: germline. Affected: yes. Observed: 1 variant allele.
Comment: TNFRSF1A: PM2